The following is an entry in ClinVar:

NM_182961.4(SYNE1):c.22068C>T (p.Thr7356=)

Gene: SYNE1 (spectrin repeat containing nuclear envelope protein 1; minus strand). Cytogenetic location: 6q25.2.
Variant type: single nucleotide variant.
Coding change: c.22068C>T on transcript NM_182961.4 (MANE Select); coding-DNA position 22068, C replaced by T.
Protein change: p.Thr7356=; no amino-acid change (threonine 7356 retained).
Molecular consequence: synonymous variant.
Genome position (GRCh38, 1-based): chr6:152,218,380, G>A on the plus strand (C>T on the coding strand, the complement: SYNE1 is on the minus strand). VCF-style: chr6-152218380-G-A. GRCh37 (hg19) VCF-style: chr6-152539515-G-A.
Other names: p.Thr7285=; c.21855C>T, p.Thr7285= (NM_033071.5).
Identifiers: ClinVar variation 282129 (VCV000282129.52), dbSNP rs35686213, ClinGen allele CA4053964.

ClinVar aggregate classification (germline): Conflicting classifications of pathogenicity. Review status: criteria provided, conflicting classifications (1 of 4 stars). 10 submissions from 9 submitters: Uncertain significance (2); Benign (1); Likely benign (7). Last evaluated 2026-06-01.

Conditions:
Autosomal recessive ataxia, Beauce type. Also called: ATAXIA, RECESSIVE, OF BEAUCE; Spinocerebellar ataxia, autosomal recessive 8; SYNE1-Related Autosomal Recessive Cerebellar Ataxia; SYNE1 Deficiency. Identifiers: Orphanet 88644, MedGen C1853116, MONDO:0012549, OMIM 610743.
Emery-Dreifuss muscular dystrophy 4, autosomal dominant (EDMD4). Also called: EMERY-DREIFUSS MUSCULAR DYSTROPHY 4 WITH VARIABLE FEATURES. Identifiers: Orphanet 261, MedGen C2751807, MONDO:0013071, OMIM 612998.

Allele frequency attached by ClinVar (database versions not stated): 1000 Genomes Project 30x 0.00047; 1000 Genomes Project 0.00060; ExAC 0.00088; gnomAD exomes 0.00097 and 0.00159; gnomAD 0.00108 and 0.00110; TOPMed 0.00119; ESP Exome Variant Server 0.00154.
gnomAD v4.1: 2,470 of 1,613,228 alleles (0.15%); highest among the groups gnomAD compares: Non-Finnish European, 0.18%; 5 homozygotes.

Submissions (10):

CeGaT Center for Human Genetics Tuebingen
Classification: Likely benign. Last evaluated: 2026-06-01. Review status: criteria provided, single submitter. Criteria: CeGaT Center For Human Genetics Tuebingen Variant Classification Criteria Version 2. Collection method: clinical testing. Allele origin: germline. Affected: yes. Observed: 9 variant alleles.
Comment: SYNE1: BP4, BP7

Labcorp Genetics (formerly Invitae), Labcorp
Classification: Likely benign for Emery-Dreifuss muscular dystrophy 4, autosomal dominant; Autosomal recessive ataxia, Beauce type. Last evaluated: 2026-02-01. Review status: criteria provided, single submitter. Criteria: Invitae Variant Classification Sherloc (09022015). Collection method: clinical testing. Allele origin: germline.

Athena Diagnostics
Classification: Likely benign. Last evaluated: 2025-09-17. Review status: criteria provided, single submitter. Criteria: Athena Diagnostics Criteria. Collection method: clinical testing. Allele origin: unknown.
Comment: The frequency of this variant in the general population is higher than would generally be expected for pathogenic variants in this gene. This nucleotide position exhibits low evolutionary conservation.

Mayo Clinic Laboratories, Mayo Clinic
Classification: Likely benign. Last evaluated: 2025-02-17. Review status: criteria provided, single submitter. Criteria: ACMG Guidelines, 2015. Collection method: clinical testing. Allele origin: germline. Observed: 3 variant alleles.
Comment: BP4, BP7

Blueprint Genetics
Classification: Likely benign. Last evaluated: 2024-11-13. Review status: criteria provided, single submitter. Criteria: ACMG Guidelines, 2015. Collection method: clinical testing. Allele origin: germline.

Eurofins Ntd Llc (ga)
Classification: Uncertain significance. Last evaluated: 2018-01-12. Review status: criteria provided, single submitter. Criteria: EGL Classification Definitions 2015. Collection method: clinical testing. Allele origin: germline. Observed: 23 variant alleles, 23 heterozygotes.

Illumina Laboratory Services, Illumina
Classification: Benign for Emery-Dreifuss muscular dystrophy 4, autosomal dominant. Last evaluated: 2018-01-12. Review status: criteria provided, single submitter. Criteria: ICSL Variant Classification Criteria 13 December 2019. Collection method: clinical testing. Allele origin: germline.
Comment: This variant was observed in the ICSL laboratory as part of a predisposition screen in an ostensibly healthy population. It had not been previously curated by ICSL or reported in the Human Gene Mutation Database (HGMD: prior to June 1st, 2018), and was therefore a candidate for classification through an automated scoring system. Utilizing variant allele frequency, disease prevalence and penetrance estimates, and inheritance mode, an automated score was calculated to assess if this variant is too frequent to cause the disease. Based on the score and internal cut-off values, a variant classified as benign is not then subjected to further curation. The score for this variant resulted in a classification of benign for this disease.

Illumina Laboratory Services, Illumina
Classification: Uncertain significance for Autosomal recessive ataxia, Beauce type. Last evaluated: 2018-01-12. Review status: criteria provided, single submitter. Criteria: ICSL Variant Classification Criteria 13 December 2019. Collection method: clinical testing. Allele origin: germline.

GeneDx
Classification: Likely benign. Last evaluated: 2017-06-28. Review status: criteria provided, single submitter. Criteria: GeneDx Variant Classification (06012015). Collection method: clinical testing. Allele origin: germline. Affected: yes.
Comment: This variant is considered likely benign or benign based on one or more of the following criteria: it is a conservative change, it occurs at a poorly conserved position in the protein, it is predicted to be benign by multiple in silico algorithms, and/or has population frequency not consistent with disease.

Genetic Services Laboratory, University of Chicago
Classification: Likely benign. Last evaluated: 2016-04-27. Review status: criteria provided, single submitter. Criteria: ACMG Guidelines, 2015. Collection method: clinical testing. Allele origin: germline. Affected: no.

Literature cited by the submitters: PubMed 27302369 (cited by Athena Diagnostics).